The following is an entry in ClinVar:

NM_000051.4(ATM):c.496+3A>G

Gene: ATM (ATM serine/threonine kinase; plus strand). Cytogenetic location: 11q22.3.
Variant type: single nucleotide variant.
Coding change: c.496+3A>G on transcript NM_000051.4 (MANE Select); 3 bases into the intron after coding-DNA position 496, A replaced by G.
Molecular consequence: intron variant.
Genome position (GRCh38, 1-based): chr11:108,235,837, A>G. VCF-style: chr11-108235837-A-G. GRCh37 (hg19) VCF-style: chr11-108106564-A-G.
Other names: c.496+3A>G (NM_001351834.2).
Identifiers: ClinVar variation 229974 (VCV000229974.31), dbSNP rs876658311, ClinGen allele CA10578962.

ClinVar aggregate classification (germline): Conflicting classifications of pathogenicity. Review status: criteria provided, conflicting classifications (1 of 4 stars). 9 submissions from 9 submitters: Likely pathogenic (6); Uncertain significance (3). Last evaluated 2026-02-01.

Conditions:
ATM-related disorder. Also called: ATM-related disorders; ATM-related condition.
Hereditary cancer-predisposing syndrome. Also called: Neoplastic Syndromes, Hereditary; Tumor predisposition; Hereditary Cancer Syndrome; Hereditary neoplastic syndrome. Identifiers: Orphanet 140162, MedGen C0027672, MeSH D009386, MONDO:0015356.
Ataxia-telangiectasia syndrome (AT). Also called: Cerebello-oculocutaneous telangiectasia; Immunodeficiency with ataxia telangiectasia; ATAXIA-TELANGIECTASIA, COMPLEMENTATION GROUP A; ATAXIA-TELANGIECTASIA, FRESNO VARIANT; Ataxia-telangiectasia; Ataxia-telangiectasia, complementation group E. Identifiers: Orphanet 100, MedGen C0004135, MONDO:0008840, OMIM 208900.
Familial cancer of breast. Also called: hereditary breast carcinoma; BREAST CANCER, FAMILIAL; Hereditary breast cancer. Identifiers: Orphanet 227535, MedGen C0346153, MONDO:0016419, OMIM 114480. Disease mechanism: loss of function.

Allele frequency attached by ClinVar (database versions not stated): gnomAD exomes below 0.00001; gnomAD 0.00001; TOPMed 0.00001.
gnomAD v4.1: 4 of 1,613,634 alleles (0.00025%); highest among the groups gnomAD compares: Middle Eastern, 0.016%; no homozygotes.

Submissions (9):

Labcorp Genetics (formerly Invitae), Labcorp
Classification: Likely pathogenic for Ataxia-telangiectasia syndrome. Last evaluated: 2026-02-01. Review status: criteria provided, single submitter. Criteria: Invitae Variant Classification Sherloc (09022015). Collection method: clinical testing. Allele origin: germline.
Comment: This sequence change falls in intron 5 of the ATM gene. It does not directly change the encoded amino acid sequence of the ATM protein. RNA analysis indicates that this variant induces altered splicing and likely results in a shortened protein product. This variant is present in population databases (no rsID available, gnomAD 0.003%). This variant has not been reported in the literature in individuals affected with ATM-related conditions. ClinVar contains an entry for this variant (Variation ID: 229974). Variants that disrupt the consensus splice site are a relatively common cause of aberrant splicing (PMID: 17576681, 9536098). Studies have shown that this variant results in skipping of exon 5, but is expected to preserve the integrity of the reading-frame (internal data). Other variant(s) that result in skipping of exon 5 have been determined to be pathogenic (PMID: 15054841; internal data). This suggests that this variant may also be clinically significant and likely to be disease-causing. In summary, the currently available evidence indicates that the variant is pathogenic, but additional data are needed to prove that conclusively. Therefore, this variant has been classified as Likely Pathogenic.

PreventionGenetics, part of Exact Sciences
Classification: Likely pathogenic for ATM-related condition. Last evaluated: 2026-01-12. Review status: criteria provided, single submitter. Criteria: ACMG Guidelines, 2015. Collection method: clinical testing. Allele origin: germline.
Comment: The ATM c.496+3A>G variant is predicted to interfere with splicing. This is an intronic alteration predicted to weaken the nearby splice donor site according to splicing prediction programs (SpliceAI, Jaganathan et al. 2019. PubMed ID: 30661751). To our knowledge, this variant has not been reported in the literature. RNA functional studies confirmed that this variant results in an in-frame deletion of ATM exon 5 (Ambry Genetics, personal communication). This variant is reported in 0.0028% of alleles in individuals of Latino descent in gnomAD and is documented in ClinVar with classifications of likely pathogenic and uncertain significance (Variation ID: 229974). Of note, a similar variant impacting the same splice donor site (c.496+5G>A) has also been shown to cause exon-skipping in individuals with ATM-related disorders (Dörk et al. 2004. PubMed ID: 15054841; Schon et al. 2019. PubMed ID: 30549301). Taken together, we interpret the c.496+3A>G variant as likely pathogenic.

Ambry Genetics
Classification: Likely pathogenic for Hereditary cancer-predisposing syndrome. Last evaluated: 2025-06-09. Review status: criteria provided, single submitter. Criteria: Ambry Variant Classification Scheme 2023. Collection method: clinical testing. Allele origin: germline.
Comment: The c.496+3A>G intronic variant results from an A to G substitution 3 nucleotides after coding exon 4 in the ATM gene. This nucleotide position is well conserved in available vertebrate species. In silico splice site analysis predicts that this alteration will weaken the native splice donor site. RNA studies have demonstrated that this alteration results in abnormal splicing in the set of samples tested (Ambry internal data). This variant is considered to be rare based on population cohorts in the Genome Aggregation Database (gnomAD). Based on the majority of available evidence to date, this variant is likely to be pathogenic.

Color Diagnostics, LLC DBA Color Health
Classification: Uncertain significance for Hereditary cancer-predisposing syndrome. Last evaluated: 2025-01-13. Review status: criteria provided, single submitter. Criteria: ACMG Guidelines, 2015. Collection method: clinical testing. Allele origin: germline.
Comment: This variant causes an A to G nucleotide substitution at the +3 position of intron 5 of the ATM gene. Splice site prediction tools predict that this variant may have a significant impact on RNA splicing. To our knowledge, functional studies have not been reported for this variant. This variant has not been reported in individuals affected with hereditary cancer in the literature. This variant has been identified in 2/282724 chromosomes in the general population by the Genome Aggregation Database (gnomAD). The available evidence is insufficient to determine the role of this variant in disease conclusively. Therefore, this variant is classified as a Variant of Uncertain Significance.

Women's Health and Genetics/Laboratory Corporation of America, LabCorp
Classification: Likely pathogenic for Ataxia-telangiectasia syndrome. Last evaluated: 2024-12-19. Review status: criteria provided, single submitter. Criteria: LabCorp Variant Classification Summary - May 2015. Collection method: clinical testing. Allele origin: germline.
Comment: Variant summary: ATM c.496+3A>G alters a conserved nucleotide located close to a canonical splice site and therefore could affect mRNA splicing, leading to a significantly altered protein sequence. Several computational tools predict a significant impact on normal splicing: Two predict the variant weakens a 5' donor site. One predicts the variant no significant impact on splicing. Internal evidence shows that this variant affects mRNA splicing in at least 2 samples, resulting in an in frame skipping of exon 5 (Labcorp, formerly Invitae). To our knowledge, there are no likely pathogenic/pathogenic non-NMD variants reported within the deleted zone, however a different variant with an identical RNA splicing effect has been classified as likely pathogenic/pathogenic by Labcorp (c.496+5G>A), suggesting that loss of this exon is deleterious. The variant allele was found at a frequency of 4e-06 in 251310 control chromosomes. To our knowledge, c.496+3A>G has not been reported in the literature in individuals affected with ATM-related conditions however the different variant at this c. position, c.496+5G>A resulting in an identical exon 5 skipping event was reported in the presumed compound heterozygous state in individual(s) affected with clinical features of ataxia-telangiectasia (PMID: 15054841, 19535770). These report(s) do not provide unequivocal conclusions about association of the variant with ATM-related conditions. The following publications have been ascertained in the context of this evaluation (PMID: 33479248, 15054841, 19535770). ClinVar contains an entry for this variant (Variation ID: 229974). Based on the evidence outlined above, the variant was classified as likely pathogenic.

Blueprint Genetics
Classification: Uncertain significance. Last evaluated: 2024-04-04. Review status: criteria provided, single submitter. Criteria: ACMG Guidelines, 2015. Collection method: clinical testing. Allele origin: germline.

Fulgent Genetics
Classification: Likely pathogenic for Familial cancer of breast; Ataxia-telangiectasia syndrome. Last evaluated: 2024-02-06. Review status: criteria provided, single submitter. Criteria: ACMG Guidelines, 2015. Collection method: clinical testing. Allele origin: germline.

GeneDx
Classification: Likely pathogenic. Last evaluated: 2024-02-01. Review status: criteria provided, single submitter. Criteria: GeneDx Variant Classification Process June 2021. Collection method: clinical testing. Allele origin: germline. Affected: yes.
Comment: Not observed at significant frequency in large population cohorts (gnomAD); In silico analysis supports a deleterious effect on splicing; Has not been previously published as pathogenic or benign to our knowledge; This variant is associated with the following publications: (PMID: 33479248, 35451682)

Baylor Genetics
Classification: Uncertain significance for Familial cancer of breast. Last evaluated: 2023-08-07. Review status: criteria provided, single submitter. Criteria: ACMG Guidelines, 2015. Collection method: clinical testing. Allele origin: unknown.

Literature cited by the submitters: PubMed 17576681 (cited by Labcorp Genetics (formerly Invitae), Labcorp); PubMed 9536098 (cited by Labcorp Genetics (formerly Invitae), Labcorp); PubMed 15054841 (cited by Labcorp Genetics (formerly Invitae), Labcorp); PubMed 33479248 (cited by Women's Health and Genetics/Laboratory Corporation of America, LabCorp).